The following is an entry in ClinVar:

ClinVar aggregate classification (germline): Pathogenic (1 of 4 stars; one submission).

Conditions:
SHOX-related short stature. Also called: SHORT STATURE, IDIOPATHIC, X-LINKED. Identifiers: Orphanet 314795, MedGen C1845118, MONDO:0010367, OMIM 300582. Disease mechanism: loss of function.

Submission:

Division of Genetic & Genomic Pathology, Hong Kong Children's Hospital
Classification: Pathogenic for SHOX-related short stature. Last evaluated: 2024-09-19. Review status: criteria provided, single submitter. Criteria: ACMG/ClinGen CNV Guidelines, 2019. Collection method: clinical testing. Allele origin: paternal. Affected: yes.
Comment: SHOX deficiency disorders are inherited in a pseudoautosomal dominant manner. The phenotypic spectrum caused by haploinsufficiency of the SHOX gene ranges from Leri-Weill dyschondrosteosis at the severe end to nonspecific short stature at the mild end (PMID: 20301394). No correlation has been established between the severity of phenotype and the underlying SHOX pathogenic variant.

Literature cited by the submitters: PubMed 20301394.

GRCh37/hg19 Yp11.32(chrY:541526-562319)x1

Variant type: copy number loss.
Change: copy number 1 of chrY:541,526-562,319 (20.8 kb, GRCh37 coordinates, 1-based), cytogenetic band Yp11.32.
Identifiers: ClinVar variation 4849856 (VCV004849856.1).